The following is an entry in ClinVar:

NM_031407.7(HUWE1):c.13069C>T (p.Arg4357Cys)

Gene: HUWE1 (HECT, UBA and WWE domain containing E3 ubiquitin protein ligase 1; minus strand). Cytogenetic location: Xp11.22.
Variant type: single nucleotide variant.
Coding change: c.13069C>T on transcript NM_031407.7 (MANE Select); coding-DNA position 13069, C replaced by T.
Protein change: p.Arg4357Cys; replaces arginine 4357 with cysteine.
Molecular consequence: missense variant.
Genome position (GRCh38, 1-based): chrX:53,533,365, G>A on the plus strand (C>T on the coding strand, the complement: HUWE1 is on the minus strand). VCF-style: chrX-53533365-G-A. GRCh37 (hg19) VCF-style: chrX-53560326-G-A.
Other names: c.13069C>T (NM_031407.6); short protein forms R4357C.
Identifiers: ClinVar variation 1195142 (VCV001195142.5), dbSNP rs2060851157, ClinGen allele CA413142801.

ClinVar aggregate classification (germline): Uncertain significance. Review status: criteria provided, multiple submitters, no conflicts (2 of 4 stars). 3 submissions from 3 submitters: Uncertain significance (2). 1 of the submissions does not count toward it. Last evaluated 2024-07-17.

Conditions:
HUWE1-related disorder. Also called: HUWE1-related condition.

Allele frequency attached by ClinVar (database versions not stated): gnomAD exomes below 0.00001; gnomAD 0.00001; TOPMed 0.00002.
gnomAD v4.1: 2 of 1,206,317 alleles (0.00017%); highest among the groups gnomAD compares: Admixed American, 0.0022%; no homozygotes.

Submissions (3):

Labcorp Genetics (formerly Invitae), Labcorp
Classification: Uncertain significance. Last evaluated: 2024-07-17. Review status: criteria provided, single submitter. Criteria: Invitae Variant Classification Sherloc (09022015). Collection method: clinical testing. Allele origin: germline.
Comment: This sequence change replaces arginine, which is basic and polar, with cysteine, which is neutral and slightly polar, at codon 4357 of the HUWE1 protein (p.Arg4357Cys). This variant is not present in population databases (gnomAD no frequency). This variant has not been reported in the literature in individuals affected with HUWE1-related conditions. ClinVar contains an entry for this variant (Variation ID: 1195142). Advanced modeling of protein sequence and biophysical properties (such as structural, functional, and spatial information, amino acid conservation, physicochemical variation, residue mobility, and thermodynamic stability) performed at Invitae indicates that this missense variant is expected to disrupt HUWE1 protein function with a positive predictive value of 95%. In summary, the available evidence is currently insufficient to determine the role of this variant in disease. Therefore, it has been classified as a Variant of Uncertain Significance.

GeneDx
Classification: Uncertain significance. Last evaluated: 2021-03-01. Review status: criteria provided, single submitter. Criteria: GeneDx Variant Classification Process June 2021. Collection method: clinical testing. Allele origin: germline. Affected: yes.
Comment: Not observed in large population cohorts (Lek et al., 2016); In silico analysis supports that this missense variant has a deleterious effect on protein structure/function; Has not been previously published as pathogenic or benign to our knowledge

PreventionGenetics, part of Exact Sciences
Classification: Uncertain significance for HUWE1-related condition. Last evaluated: 2024-09-06. Review status: no assertion criteria provided. Collection method: clinical testing. Allele origin: germline. Not counted in ClinVar's aggregate classification.
Comment: The HUWE1 c.13069C>T variant is predicted to result in the amino acid substitution p.Arg4357Cys. To our knowledge, this variant has not been reported in the literature or in a large population database, indicating this variant is rare. Of note, a different substitution at the same codon, defined as c.13070G>A (p.Arg4357His), was reported in a newborn with syndromic presentation including blepharophimosis, sparse eyebrow, micrognathia, nystagmus, muscular, hypotonia of the trunk, broad hallux, clinodactyly of the 5th finger, primitive reflexes, and supernumerary nipple, but this individual also has a likely pathogenic variant in SOX11 (eTable 3, Lunke et al. 2020. PubMed ID: 32573669). At this time, the clinical significance of the c.13069C>T (p.Arg4357Cys) variant is uncertain due to the absence of conclusive functional and genetic evidence.